The following is an entry in ClinVar:

ClinVar aggregate classification (germline): Conflicting classifications of pathogenicity. Review status: criteria provided, conflicting classifications (1 of 4 stars). 10 submissions from 10 submitters: Uncertain significance (1); Benign (1); Likely benign (5). 3 of the submissions do not count toward it. Last evaluated 2026-04-10.

Conditions:
DICER1-related disorder. Also called: DICER1-related condition.
Hereditary cancer-predisposing syndrome. Also called: Tumor predisposition; Hereditary Cancer Syndrome; Hereditary neoplastic syndrome; Neoplastic Syndromes, Hereditary. Identifiers: Orphanet 140162, MedGen C0027672, MeSH D009386, MONDO:0015356.
DICER1-related tumor predisposition. Also called: DICER1-related pleuropulmonary blastoma cancer predisposition syndrome; DICER1 syndrome. Identifiers: Orphanet 284343, MedGen C3839822, MONDO:0100216.

Allele frequency attached by ClinVar (database versions not stated): TOPMed 0.00008; gnomAD exomes 0.00009 and 0.00016; ExAC 0.00010; gnomAD 0.00010 and 0.00011; ESP Exome Variant Server 0.00015.
gnomAD v4.1: 236 of 1,611,206 alleles (0.015%); highest among the groups gnomAD compares: Non-Finnish European, 0.02%; no homozygotes.

Submissions (10):

Myriad Genetics, Inc.
Classification: Likely benign for DICER1-related tumor predisposition. Last evaluated: 2026-04-10. Review status: criteria provided, single submitter. Criteria: Myriad Autosomal Dominant, Autosomal Recessive and X-Linked Classification Criteria (2023). Collection method: clinical testing. Allele origin: unknown.
Comment: This variant is considered likely benign. This variant is intronic and is not expected to impact mRNA splicing.

Labcorp Genetics (formerly Invitae), Labcorp
Classification: Likely benign for DICER1-related tumor predisposition. Last evaluated: 2026-01-13. Review status: criteria provided, single submitter. Criteria: Invitae Variant Classification Sherloc (09022015). Collection method: clinical testing. Allele origin: germline.

Center for Genomic Medicine, Rigshospitalet, Copenhagen University Hospital
Classification: Likely benign. Last evaluated: 2025-03-04. Review status: criteria provided, single submitter. Criteria: ACMG Guidelines, 2015. Collection method: clinical testing. Allele origin: germline.

Blueprint Genetics
Classification: Likely benign. Last evaluated: 2024-11-15. Review status: criteria provided, single submitter. Criteria: ACMG Guidelines, 2015. Collection method: clinical testing. Allele origin: germline.

ARUP Laboratories, Molecular Genetics and Genomics, ARUP Laboratories
Classification: Likely benign. Last evaluated: 2022-05-04. Review status: criteria provided, single submitter. Criteria: ARUP Molecular Germline Variant Investigation Process 2021. Collection method: clinical testing. Allele origin: germline.

Sema4
Classification: Uncertain significance for Hereditary cancer-predisposing syndrome. Last evaluated: 2021-12-28. Review status: criteria provided, single submitter. Criteria: Sema4 Curation Guidelines. Collection method: curation. Allele origin: germline.
Comment: To the best of our knowledge, the DICER1 c.439-7A>T variant has not been reported in individuals with DICER1-related disease. It was observed in 24/128170 chromosomes of the Non-Finnish European (NFE) subpopulation, with no homozygotes, in the large and broad cohorts of the Genome Aggregation Database (PMID: 32461654). This variant has been reported in ClinVar (Variation ID 417138). Predictions by in silico tools that predict the effect of sequence changes are not available, and though these predictions have not been confirmed by functional studies. The evidence is insufficient to meet ACMG/AMP criteria for classifying the variant as benign or pathogenic. Thus, the clinical significance of this variant is currently uncertain.

Illumina Laboratory Services, Illumina
Classification: Benign for Pleuropulmonary blastoma. Last evaluated: 2018-01-13. Review status: criteria provided, single submitter. Criteria: ICSL Variant Classification Criteria 13 December 2019. Collection method: clinical testing. Allele origin: germline.
Comment: This variant was observed in the ICSL laboratory as part of a predisposition screen in an ostensibly healthy population. It had not been previously curated by ICSL or reported in the Human Gene Mutation Database (HGMD: prior to June 1st, 2018), and was therefore a candidate for classification through an automated scoring system. Utilizing variant allele frequency, disease prevalence and penetrance estimates, and inheritance mode, an automated score was calculated to assess if this variant is too frequent to cause the disease. Based on the score and internal cut-off values, a variant classified as benign is not then subjected to further curation. The score for this variant resulted in a classification of benign for this disease.

PreventionGenetics, part of Exact Sciences
Classification: Likely benign for DICER1-related condition. Last evaluated: 2023-11-17. Review status: no assertion criteria provided. Collection method: clinical testing. Allele origin: germline. Not counted in ClinVar's aggregate classification.
Comment: This variant is classified as likely benign based on ACMG/AMP sequence variant interpretation guidelines (Richards et al. 2015 PMID: 25741868, with internal and published modifications).

Diagnostic Laboratory, Department of Genetics, University Medical Center Groningen
Classification: Likely benign. Review status: no assertion criteria provided. Collection method: clinical testing. Allele origin: germline. Affected: yes. Study: VKGL Data-share Consensus. Not counted in ClinVar's aggregate classification.

Genome Diagnostics Laboratory, Amsterdam University Medical Center
Classification: Likely benign. Review status: no assertion criteria provided. Collection method: clinical testing. Allele origin: germline. Affected: yes. Study: VKGL Data-share Consensus. Not counted in ClinVar's aggregate classification.

NM_177438.3(DICER1):c.439-7A>T

Gene: DICER1 (dicer 1, ribonuclease III; minus strand). Cytogenetic location: 14q32.13.
Variant type: single nucleotide variant.
Coding change: c.439-7A>T on transcript NM_177438.3 (MANE Select); 7 bases into the intron before coding-DNA position 439, A replaced by T.
Molecular consequence: intron variant.
Genome position (GRCh38, 1-based): chr14:95,130,199, T>A on the plus strand (A>T on the coding strand, the complement: DICER1 is on the minus strand). VCF-style: chr14-95130199-T-A. GRCh37 (hg19) VCF-style: chr14-95596536-T-A.
Other names: c.439-7A>T (NM_001291628.2, NM_030621.4, NM_001271282.3 and 1 more transcripts).
Identifiers: ClinVar variation 417138 (VCV000417138.31), dbSNP rs376762569, ClinGen allele CA7331658.